The following is an entry in ClinVar:

ClinVar aggregate classification (germline): Likely pathogenic (0 of 4 stars; one submission).

Conditions:
Hyperammonemia, type III (NAGSD). Also called: Hyperammonemia due to N-acetylglutamate synthase deficiency. Identifiers: Orphanet 927, MedGen C0268543, MONDO:0009377, OMIM 237310.

Submission:

Caldovic Lab, Children's National Health System
Classification: Likely pathogenic for Hyperammonemia, type III. Last evaluated: 2021-06-16. Review status: no assertion criteria provided. Collection method: research. Allele origin: maternal. Inheritance: Autosomal recessive inheritance. Affected: yes. Observed: 1 variant allele, 1 compound heterozygote.
Comment: The c.427-218A>G variant alters a conserved bp in a conserved regulatory element in the first intron of the NAGS gene. In silico tool CADD predicted deleterious effect of this variant while MutationTaster2 predicted that this variant is disease causing. The variant is absent from the gnomAD v2.1.1. control population dataset. Functional testing using reporter gene assays in HepG2 and HuH-7 cells indicated that c.427-218A>G variant can decrease NAGS gene expression. The variant is classified as likely pathogenic.

NM_153006.3(NAGS):c.427-218A>G

Gene: NAGS (N-acetylglutamate synthase; plus strand). Cytogenetic location: 17q21.31.
Variant type: single nucleotide variant.
Coding change: c.427-218A>G on transcript NM_153006.3 (MANE Select); 218 bases into the intron before coding-DNA position 427, A replaced by G.
Molecular consequence: intron variant.
Genome position (GRCh38, 1-based): chr17:44,005,419, A>G. VCF-style: chr17-44005419-A-G. GRCh37 (hg19) VCF-style: chr17-42082787-A-G.
Identifiers: ClinVar variation 1177299 (VCV001177299.3), dbSNP rs886507459, ClinGen allele CA2499224652.